The following is an entry in ClinVar:

ClinVar aggregate classification (germline): Likely pathogenic (1 of 4 stars; one submission).

Conditions:
Nemaline myopathy 2 (NEM2). Also called: Nemaline myopathy 2, autosomal recessive. Identifiers: MedGen C1850569, MONDO:0009725, OMIM 256030.

gnomAD v4.1: 1 of 1,592,244 alleles (0.000063%); highest among the groups gnomAD compares: Non-Finnish European, 0.000086%; no homozygotes.

Submission:

Labcorp Genetics (formerly Invitae), Labcorp
Classification: Likely pathogenic for Nemaline myopathy 2. Last evaluated: 2024-07-23. Review status: criteria provided, single submitter. Criteria: Invitae Variant Classification Sherloc (09022015). Collection method: clinical testing. Allele origin: germline.
Comment: This sequence change affects a donor splice site in intron 141 of the NEB gene. It is expected to disrupt RNA splicing. Variants that disrupt the donor or acceptor splice site typically lead to a loss of protein function (PMID: 16199547), and loss-of-function variants in NEB are known to be pathogenic (PMID: 25205138). This variant is not present in population databases (gnomAD no frequency). This variant has not been reported in the literature in individuals affected with NEB-related conditions. Algorithms developed to predict the effect of sequence changes on RNA splicing suggest that this variant may disrupt the consensus splice site. In summary, the currently available evidence indicates that the variant is pathogenic, but additional data are needed to prove that conclusively. Therefore, this variant has been classified as Likely Pathogenic.

Literature cited by the submitters: PubMed 16199547; PubMed 25205138.

NM_001164508.2(NEB):c.21207+2T>C

Gene: NEB (nebulin; minus strand). Cytogenetic location: 2q23.3.
Variant type: single nucleotide variant.
Coding change: c.21207+2T>C on transcript NM_001164508.2 (MANE Select); the canonical splice donor site of the intron after coding-DNA position 21207, T replaced by C.
Molecular consequence: splice donor variant.
Genome position (GRCh38, 1-based): chr2:151,537,130, A>G on the plus strand (T>C on the coding strand, the complement: NEB is on the minus strand). VCF-style: chr2-151537130-A-G. GRCh37 (hg19) VCF-style: chr2-152393644-A-G.
Other names: c.16104+2T>C (NM_004543.5); c.21207+2T>C (NM_001164507.2, NM_001271208.2).
Identifiers: ClinVar variation 3658551 (VCV003658551.2).
Genomic context (GRCh38, chr2:151,537,130, plus strand): 5'-ATTCTCTCTGGGTACAGGTATATGTCGAATGGATGAGGCCAATTCTCCTTGAGTATATAT[A>G]CCTTGCTGTAGAGAGTCTTGTTCTTTTCAGCCAGAGTGAAATCAGGGGTATCATAGGCAT-3'